The following is an entry in ClinVar:

GRCh38/hg38 18q21.1-23(chr18:50068129-80252149)x3

Genes: SOCS6 (suppressor of cytokine signaling 6; plus strand), ST8SIA3 (ST8 alpha-N-acetyl-neuraminide alpha-2,8-sialyltransferase 3; plus strand), STARD6 (StAR related lipid transfer domain containing 6; minus strand), TCF4 (transcription factor 4; minus strand), TCF4-AS1 (TCF4 antisense RNA 1; plus strand) and 705 more. Cytogenetic location: 18q21.1-23.
Variant type: copy number gain.
Change: copy number 3 (three copies instead of two) of chr18:50,068,129-80,252,149 (30.18 Mb, GRCh38 coordinates, 1-based), cytogenetic band 18q21.1-23.
Identifiers: ClinVar variation 57310 (VCV000057310.1).

ClinVar aggregate classification (germline): Pathogenic (1 of 4 stars; one submission).

Submission:

ISCA site 4
Classification: Pathogenic. Last evaluated: 2011-08-12. Review status: criteria provided, single submitter. Criteria: Kaminsky et al. (Genet Med. 2011). Collection method: clinical testing. Allele origin: unknown. Affected: yes. Observed: 1 variant allele.
Comment: Copy number variation identified through the course of routine clinical cytogenomic testing in postnatal populations. Clinical assertions have been curated as described in Kaminsky et al. 2011.